The following is an entry in ClinVar:

NM_024577.4(SH3TC2):c.*10767G>A

Gene: SH3TC2 (SH3 domain and tetratricopeptide repeats 2; minus strand). Cytogenetic location: 5q32.
Variant type: single nucleotide variant.
Coding change: c.*10767G>A on transcript NM_024577.4 (MANE Select); 10767 bases downstream of the stop codon, G replaced by A.
Molecular consequence: 3 prime UTR variant.
Genome position (GRCh38, 1-based): chr5:148,993,944, C>T on the plus strand (G>A on the coding strand, the complement: SH3TC2 is on the minus strand). VCF-style: chr5-148993944-C-T. GRCh37 (hg19) VCF-style: chr5-148373507-C-T.
Identifiers: ClinVar variation 351705 (VCV000351705.6), dbSNP rs139720866, ClinGen allele CA10623359.

ClinVar aggregate classification (germline): Benign/Likely benign. Review status: criteria provided, multiple submitters, no conflicts (2 of 4 stars). 3 submissions from 2 submitters: Benign (2); Likely benign (1). Last evaluated 2021-05-19.

Conditions:
Charcot-Marie-Tooth disease type 4C (CMT4C). Also called: CHARCOT-MARIE-TOOTH DISEASE, DEMYELINATING, AUTOSOMAL RECESSIVE, TYPE 4C; CMT 4C; Charcot-Marie-Tooth Neuropathy Type 4C (CMT4C); CHARCOT-MARIE-TOOTH DISEASE, DEMYELINATING, TYPE 4C; SH3TC2-Related Hereditary Motor and Sensory Neuropathy. Identifiers: Orphanet 99949, MedGen C1866636, MONDO:0011113, OMIM 601596.
Susceptibility to mononeuropathy of the median nerve, mild. Also called: CARPAL TUNNEL SYNDROME, SUSCEPTIBILITY TO. Identifiers: MedGen C3150596, MONDO:0013237, OMIM 613353.

Allele frequency attached by ClinVar (database versions not stated): 1000 Genomes Project 30x 0.00953; TOPMed 0.01024; 1000 Genomes Project 0.01038; gnomAD 0.01293.
gnomAD v4.1: 1,808 of 152,234 alleles (1.2%); highest among the groups gnomAD compares: Middle Eastern, 2.4%; 17 homozygotes.

Submissions (3):

GeneDx
Classification: Likely benign. Last evaluated: 2021-05-19. Review status: criteria provided, single submitter. Criteria: GeneDx Variant Classification Process June 2021. Collection method: clinical testing. Allele origin: germline. Affected: yes.

Illumina Laboratory Services, Illumina
Classification: Benign for Susceptibility to mononeuropathy of the median nerve, mild. Last evaluated: 2018-01-12. Review status: criteria provided, single submitter. Criteria: ICSL Variant Classification Criteria 13 December 2019. Collection method: clinical testing. Allele origin: germline.
Comment: This variant was observed in the ICSL laboratory as part of a predisposition screen in an ostensibly healthy population. It had not been previously curated by ICSL or reported in the Human Gene Mutation Database (HGMD: prior to June 1st, 2018), and was therefore a candidate for classification through an automated scoring system. Utilizing variant allele frequency, disease prevalence and penetrance estimates, and inheritance mode, an automated score was calculated to assess if this variant is too frequent to cause the disease. Based on the score and internal cut-off values, a variant classified as benign is not then subjected to further curation. The score for this variant resulted in a classification of benign for this disease.

Illumina Laboratory Services, Illumina
Classification: Benign for Charcot-Marie-Tooth disease type 4C. Last evaluated: 2018-01-12. Review status: criteria provided, single submitter. Criteria: ICSL Variant Classification Criteria 13 December 2019. Collection method: clinical testing. Allele origin: germline.
Comment: the same text as in the submission from Illumina Laboratory Services, Illumina above.